The following is an entry in ClinVar:

NM_002890.3(RASA1):c.2546T>C (p.Leu849Ser)

Genes: CCNH (cyclin H; minus strand), RASA1 (RAS p21 protein activator 1; plus strand). Cytogenetic location: 5q14.3.
Variant type: single nucleotide variant.
Coding change: c.2546T>C on transcript NM_002890.3 (MANE Select); coding-DNA position 2546, T replaced by C.
Protein change: p.Leu849Ser; replaces leucine 849 with serine.
Molecular consequence: missense variant. On other transcripts: intron variant (1).
Genome position (GRCh38, 1-based): chr5:87,379,793, T>C. VCF-style: chr5-87379793-T-C. GRCh37 (hg19) VCF-style: chr5-86675610-T-C.
Other names: c.2015T>C, p.Leu672Ser (NM_022650.3); c.933+15251A>G (NM_001364075.2); short protein forms L672S, L849S.
Identifiers: ClinVar variation 1966408 (VCV001966408.7), dbSNP rs920219557, ClinGen allele CA121814537.

ClinVar aggregate classification (germline): Uncertain significance. Review status: criteria provided, multiple submitters, no conflicts (2 of 4 stars). 2 submissions from 2 submitters: Uncertain significance (2). Last evaluated 2026-09-13.

Conditions:
Capillary malformation-arteriovenous malformation syndrome. Also called: Capillary malformation-arteriovenous malformation. Identifiers: Orphanet 137667, MedGen C1842180, MONDO:0012016.
Cardiovascular phenotype. Identifiers: MedGen CN230736.

Allele frequency attached by ClinVar (database versions not stated): gnomAD exomes 0.00002.
gnomAD v4.1: 31 of 1,612,956 alleles (0.0019%); highest among the groups gnomAD compares: Non-Finnish European, 0.0025%; no homozygotes.

Submissions (2):

Ambry Genetics
Classification: Uncertain significance for Cardiovascular phenotype. Last evaluated: 2026-09-13. Review status: criteria provided, single submitter. Criteria: Ambry Variant Classification Scheme 2023. Collection method: clinical testing. Allele origin: germline.
Comment: The p.L849S variant (also known as c.2546T>C), located in coding exon 19 of the RASA1 gene, results from a T to C substitution at nucleotide position 2546. The leucine at codon 849 is replaced by serine, an amino acid with dissimilar properties. This amino acid position is conserved. In addition, this alteration is predicted to be deleterious by in silico analysis. Based on the available evidence, the clinical significance of this variant remains unclear.

Labcorp Genetics (formerly Invitae), Labcorp
Classification: Uncertain significance for Capillary malformation-arteriovenous malformation syndrome. Last evaluated: 2024-04-11. Review status: criteria provided, single submitter. Criteria: Invitae Variant Classification Sherloc (09022015). Collection method: clinical testing. Allele origin: germline.
Comment: This sequence change replaces leucine, which is neutral and non-polar, with serine, which is neutral and polar, at codon 849 of the RASA1 protein (p.Leu849Ser). This variant is not present in population databases (gnomAD no frequency). This variant has not been reported in the literature in individuals affected with RASA1-related conditions. ClinVar contains an entry for this variant (Variation ID: 1966408). An algorithm developed to predict the effect of missense changes on protein structure and function (PolyPhen-2) suggests that this variant is likely to be disruptive. In summary, the available evidence is currently insufficient to determine the role of this variant in disease. Therefore, it has been classified as a Variant of Uncertain Significance.